The following is an entry in ClinVar:

ClinVar aggregate classification (germline): Pathogenic. Review status: criteria provided, multiple submitters, no conflicts (2 of 4 stars). 2 submissions from 2 submitters: Pathogenic (2). Last evaluated 2024-10-01.

Conditions:
Retinitis pigmentosa (RP). Identifiers: Orphanet 791, MedGen C0035334, MeSH D012174, MONDO:0019200, OMIM 268000. Inheritance: Autosomal dominant, autosomal recessive and X linked inheritance.
Alstrom syndrome (ALMS). Identifiers: Orphanet 64, MedGen C0268425, MONDO:0008763, OMIM 203800.

Submissions (2):

Lab De Baere, Eye and Developmental Genetics Lab, Ghent University
Classification: Pathogenic for Retinitis pigmentosa. Last evaluated: 2024-10-01. Review status: criteria provided, single submitter. Criteria: ACMG Guidelines, 2015. Collection method: research. Allele origin: inherited. Affected: yes. Observed: 1 variant allele.
Comment: ACMG/AMP guidelines: PM2, PVS1, PM3_PP

Labcorp Genetics (formerly Invitae), Labcorp
Classification: Pathogenic for Alstrom syndrome. Last evaluated: 2020-03-27. Review status: criteria provided, single submitter. Criteria: Invitae Variant Classification Sherloc (09022015). Collection method: clinical testing. Allele origin: germline.
Comment: This variant is not present in population databases (ExAC no frequency). This variant has not been reported in the literature in individuals with ALMS1-related conditions. Loss-of-function variants in ALMS1 are known to be pathogenic (PMID: 17594715). This sequence change creates a premature translational stop signal (p.Glu451*) in the ALMS1 gene. It is expected to result in an absent or disrupted protein product. For these reasons, this variant has been classified as Pathogenic.

Literature cited by the submitters: PubMed 17594715 (cited by Labcorp Genetics (formerly Invitae), Labcorp).

NM_001378454.1(ALMS1):c.1348G>T (p.Glu450Ter)

Gene: ALMS1 (ALMS1 centrosome and basal body associated protein; plus strand). Cytogenetic location: 2p13.1.
Variant type: single nucleotide variant.
Coding change: c.1348G>T on transcript NM_001378454.1 (MANE Select); coding-DNA position 1348, G replaced by T.
Protein change: p.Glu450Ter; replaces glutamic acid 450 with a stop codon.
Molecular consequence: nonsense.
Genome position (GRCh38, 1-based): chr2:73,432,207, G>T. VCF-style: chr2-73432207-G-T. GRCh37 (hg19) VCF-style: chr2-73659335-G-T.
Other names: c.1351G>T, p.Glu451Ter (NM_015120.4); short protein forms E450*, E451*.
Identifiers: ClinVar variation 1069267 (VCV001069267.8), dbSNP rs2103734325, ClinGen allele CA347262455.
Genomic context (GRCh38, chr2:73,432,207, plus strand): 5'-GGCATTAATGAGTCTTTTTCATTTTTATTGCCTTCATTTGTTCCACATAAGCCAACAAGA[G>T]AGTCGGAATATCACTCTTCAGATCTCAGAATGTTGAGGATGTCTCCTGACACTGTGCCAA-3'